The following is an entry in ClinVar:

ClinVar aggregate classification (germline): Benign/Likely benign. Review status: criteria provided, multiple submitters, no conflicts (2 of 4 stars). 8 submissions from 8 submitters: Benign (2); Likely benign (3). 3 of the submissions do not count toward it. Last evaluated 2026-01-30.

Conditions:
Zellweger spectrum disorders (ZS). Also called: Zellweger Spectrum Disorder; Zellweger Spectrum; Zellweger syndrome; Zellweger Spectrum Disorder (ZSD). Identifiers: Orphanet 912, MedGen C0043459, MONDO:0019609.
Peroxisome biogenesis disorder 1A (Zellweger) (PBD1A). Also called: Zellweger leukodystrophy; Peroxisome biogenesis disorder 1a. Identifiers: MedGen C4721541, MONDO:0008953, OMIM 214100.

Allele frequency attached by ClinVar (database versions not stated): gnomAD exomes 0.00045 and 0.00126; ExAC 0.00160; 1000 Genomes Project 0.00419; 1000 Genomes Project 30x 0.00437; gnomAD 0.00533 and 0.00582; ESP Exome Variant Server 0.00554; TOPMed 0.00581.
gnomAD v4.1: 1,494 of 1,613,068 alleles (0.093%); highest among the groups gnomAD compares: African/African-American, 1.7%; 12 homozygotes.

Submissions (8):

Labcorp Genetics (formerly Invitae), Labcorp
Classification: Benign for Zellweger spectrum disorders. Last evaluated: 2026-01-30. Review status: criteria provided, single submitter. Criteria: Invitae Variant Classification Sherloc (09022015). Collection method: clinical testing. Allele origin: germline.

Blueprint Genetics
Classification: Likely benign. Last evaluated: 2024-09-11. Review status: criteria provided, single submitter. Criteria: ACMG Guidelines, 2015. Collection method: clinical testing. Allele origin: germline.

Mayo Clinic Laboratories, Mayo Clinic
Classification: Benign. Last evaluated: 2023-04-28. Review status: criteria provided, single submitter. Criteria: ACMG Guidelines, 2015. Collection method: clinical testing. Allele origin: germline. Observed: 3 variant alleles.
Comment: BA1, BS2, BP4, BP7

Illumina Laboratory Services, Illumina
Classification: Likely benign for Peroxisome biogenesis disorder 1A (Zellweger). Last evaluated: 2018-01-13. Review status: criteria provided, single submitter. Criteria: ICSL Variant Classification Criteria 13 December 2019. Collection method: clinical testing. Allele origin: germline.
Comment: This variant was observed in the ICSL laboratory as part of a predisposition screen in an ostensibly healthy population. It had not been previously curated by ICSL or reported in the Human Gene Mutation Database (HGMD: prior to June 1st, 2018), and was therefore a candidate for classification through an automated scoring system. Utilizing variant allele frequency, disease prevalence and penetrance estimates, and inheritance mode, an automated score was calculated to assess if this variant is too frequent to cause the disease. Based on the score and internal cut-off values, a variant classified as likely benign is not then subjected to further curation. The score for this variant resulted in a classification of likely benign for this disease.

PreventionGenetics, part of Exact Sciences
Classification: Likely benign. Review status: criteria provided, single submitter. Criteria: ACMG Guidelines, 2015. Collection method: clinical testing. Allele origin: germline.

Natera, Inc.
Classification: Likely benign for Zellweger syndrome. Last evaluated: 2017-05-10. Review status: no assertion criteria provided. Collection method: clinical testing. Allele origin: germline. Not counted in ClinVar's aggregate classification.

Clinical Genetics, Academic Medical Center
Classification: Benign. Review status: no assertion criteria provided. Collection method: clinical testing. Allele origin: germline. Affected: yes. Study: VKGL Data-share Consensus. Not counted in ClinVar's aggregate classification.

Genome Diagnostics Laboratory, University Medical Center Utrecht
Classification: Likely benign. Review status: no assertion criteria provided. Collection method: clinical testing. Allele origin: germline. Affected: yes. Study: VKGL Data-share Consensus. Not counted in ClinVar's aggregate classification.

NM_000466.3(PEX1):c.3720C>T (p.His1240=)

Genes: GATAD1 (GATA zinc finger domain containing 1; plus strand), PEX1 (peroxisomal biogenesis factor 1; minus strand). Cytogenetic location: 7q21.2.
Variant type: single nucleotide variant.
Coding change: c.3720C>T on transcript NM_000466.3 (MANE Select); coding-DNA position 3720, C replaced by T.
Protein change: p.His1240=; no amino-acid change (histidine 1240 retained).
Molecular consequence: synonymous variant.
Genome position (GRCh38, 1-based): chr7:92,489,340, G>A on the plus strand (C>T on the coding strand, the complement: PEX1 is on the minus strand). VCF-style: chr7-92489340-G-A. GRCh37 (hg19) VCF-style: chr7-92118654-G-A.
Other names: p.His1240=; c.3549C>T, p.His1183= (NM_001282677.2); c.3096C>T, p.His1032= (NM_001282678.2).
Identifiers: ClinVar variation 256222 (VCV000256222.24), dbSNP rs34825053, ClinGen allele CA4340756.